The following is an entry in ClinVar:

NM_000065.5(C6):c.782T>A (p.Leu261His)

Gene: C6 (complement C6; minus strand). Cytogenetic location: 5p13.1.
Variant type: single nucleotide variant.
Coding change: c.782T>A on transcript NM_000065.5 (MANE Select); coding-DNA position 782, T replaced by A.
Protein change: p.Leu261His; replaces leucine 261 with histidine.
Molecular consequence: missense variant.
Genome position (GRCh38, 1-based): chr5:41,181,504, A>T on the plus strand (T>A on the coding strand, the complement: C6 is on the minus strand). VCF-style: chr5-41181504-A-T. GRCh37 (hg19) VCF-style: chr5-41181606-A-T.
Other names: c.782T>A, p.Leu261His (NM_001115131.4); short protein forms L261H.
Identifiers: ClinVar variation 1962942 (VCV001962942.2), dbSNP rs1477456575, ClinGen allele CA359602081.

ClinVar aggregate classification (germline): Uncertain significance (1 of 4 stars; one submission).

gnomAD v4.1: 7 of 1,613,798 alleles (0.00043%); highest among the groups gnomAD compares: Non-Finnish European, 0.00059%; no homozygotes.

Submission:

Labcorp Genetics (formerly Invitae), Labcorp
Classification: Uncertain significance. Last evaluated: 2022-03-27. Review status: criteria provided, single submitter. Criteria: Invitae Variant Classification Sherloc (09022015). Collection method: clinical testing. Allele origin: germline.
Comment: This sequence change replaces leucine, which is neutral and non-polar, with histidine, which is basic and polar, at codon 261 of the C6 protein (p.Leu261His). This variant is present in population databases (no rsID available, gnomAD 0.002%). This variant has not been reported in the literature in individuals affected with C6-related conditions. Algorithms developed to predict the effect of missense changes on protein structure and function are either unavailable or do not agree on the potential impact of this missense change (SIFT: "Deleterious"; PolyPhen-2: "Possibly Damaging"; Align-GVGD: "Class C0"). In summary, the available evidence is currently insufficient to determine the role of this variant in disease. Therefore, it has been classified as a Variant of Uncertain Significance.